The following is an entry in ClinVar:

NM_004082.5(DCTN1):c.11G>A (p.Ser4Asn)

Gene: DCTN1 (dynactin subunit 1; minus strand). Cytogenetic location: 2p13.1.
Variant type: single nucleotide variant.
Coding change: c.11G>A on transcript NM_004082.5 (MANE Select); coding-DNA position 11, G replaced by A.
Protein change: p.Ser4Asn; replaces serine 4 with asparagine.
Molecular consequence: missense variant. On other transcripts: intron variant (3).
Genome position (GRCh38, 1-based): chr2:74,380,027, C>T on the plus strand (G>A on the coding strand, the complement: DCTN1 is on the minus strand). VCF-style: chr2-74380027-C-T. GRCh37 (hg19) VCF-style: chr2-74607154-C-T.
Other names: c.11G>A, p.Ser4Asn (NM_001135040.3, NM_001190837.2); c.-18-1782G>A (NM_001190836.2, NM_001378992.1, NM_001378991.1); short protein forms S4N.
Identifiers: ClinVar variation 2927858 (VCV002927858.3), dbSNP rs768396031, ClinGen allele CA1722637.

ClinVar aggregate classification (germline): Uncertain significance (1 of 4 stars; one submission).

Conditions:
Amyotrophic lateral sclerosis type 1 (ALS1). Also called: AMYOTROPHIC LATERAL SCLEROSIS 1, FAMILIAL. Identifiers: Orphanet 803, MedGen C1862939, MONDO:0007103, OMIM 105400.
Neuronopathy, distal hereditary motor, type 7B. Also called: NEURONOPATHY, DISTAL HEREDITARY MOTOR, AUTOSOMAL DOMINANT 14; NEURONOPATHY, DISTAL HEREDITARY MOTOR, HARDING TYPE VIIB; NEUROPATHY, DISTAL HEREDITARY MOTOR, HARDING TYPE VIIB; NEUROPATHY, DISTAL HEREDITARY MOTOR, WITH VOCAL CORD PARALYSIS, HARDING TYPE VIIB; Distal Hereditary Motor Neuronopathy Type 7B (dHMN7B); HMN VIIB. Identifiers: Orphanet 139589, MedGen C1843315, MONDO:0011879, OMIM 607641.
Perry syndrome. Also called: PARKINSONISM WITH ALVEOLAR HYPOVENTILATION AND MENTAL DEPRESSION. Identifiers: Orphanet 178509, MedGen C1868594, MONDO:0008201, OMIM 168605.

Allele frequency attached by ClinVar (database versions not stated): gnomAD exomes below 0.00001; ExAC 0.00001.
gnomAD v4.1: 3 of 1,614,194 alleles (0.00019%); highest among the groups gnomAD compares: Non-Finnish European, 0.000085%; no homozygotes.

Submission:

Labcorp Genetics (formerly Invitae), Labcorp
Classification: Uncertain significance for Amyotrophic lateral sclerosis type 1; Neuronopathy, distal hereditary motor, type 7B; Perry syndrome. Last evaluated: 2023-03-13. Review status: criteria provided, single submitter. Criteria: Invitae Variant Classification Sherloc (09022015). Collection method: clinical testing. Allele origin: germline.
Comment: In summary, the available evidence is currently insufficient to determine the role of this variant in disease. Therefore, it has been classified as a Variant of Uncertain Significance. An algorithm developed to predict the effect of missense changes on protein structure and function (PolyPhen-2) suggests that this variant is likely to be tolerated. This variant has not been reported in the literature in individuals affected with DCTN1-related conditions. This variant is present in population databases (rs768396031, gnomAD 0.0009%). This sequence change replaces serine, which is neutral and polar, with asparagine, which is neutral and polar, at codon 4 of the DCTN1 protein (p.Ser4Asn).